The following is an entry in ClinVar:

ClinVar aggregate classification (germline): Uncertain significance. Review status: criteria provided, multiple submitters, no conflicts (2 of 4 stars). 7 submissions from 6 submitters: Uncertain significance (7). Last evaluated 2024-09-18.

Conditions:
Nephronophthisis. Also called: Juvenile Nephronophthisis. Identifiers: Orphanet 655, MedGen C0687120, MONDO:0019005, HP:0000090.
Senior-Loken syndrome 4 (SLSN4). Identifiers: Orphanet 3156, MedGen C1846979, MONDO:0011756, OMIM 606996.
Nephronophthisis 4 (NPHP4). Also called: NEPHRONOPHTHISIS 4, JUVENILE. Identifiers: Orphanet 655, MedGen C1847013, MONDO:0011752, OMIM 606966.

Allele frequency attached by ClinVar (database versions not stated): gnomAD exomes 0.00015 and 0.00050; ExAC 0.00017; TOPMed 0.00025; gnomAD 0.00034; ESP Exome Variant Server 0.00049.
gnomAD v4.1: 789 of 1,600,666 alleles (0.049%); highest among the groups gnomAD compares: Non-Finnish European, 0.062%; 1 homozygote.

Submissions (7):

Blueprint Genetics
Classification: Uncertain significance. Last evaluated: 2024-09-18. Review status: criteria provided, single submitter. Criteria: ACMG Guidelines, 2015. Collection method: clinical testing. Allele origin: germline.

Fulgent Genetics
Classification: Uncertain significance for Nephronophthisis 4; Senior-Loken syndrome 4. Last evaluated: 2024-02-15. Review status: criteria provided, single submitter. Criteria: ACMG Guidelines, 2015. Collection method: clinical testing. Allele origin: germline.

Labcorp Genetics (formerly Invitae), Labcorp
Classification: Uncertain significance for Nephronophthisis. Last evaluated: 2022-10-13. Review status: criteria provided, single submitter. Criteria: Invitae Variant Classification Sherloc (09022015). Collection method: clinical testing. Allele origin: germline.
Comment: This sequence change replaces glutamine, which is neutral and polar, with glutamic acid, which is acidic and polar, at codon 1287 of the NPHP4 protein (p.Gln1287Glu). This variant is present in population databases (rs201779243, gnomAD 0.04%). This missense change has been observed in individual(s) with retinitis pigmentosa, renal cysts and/or hearing loss (PMID: 15776426, 25472526). ClinVar contains an entry for this variant (Variation ID: 462718). Advanced modeling of protein sequence and biophysical properties (such as structural, functional, and spatial information, amino acid conservation, physicochemical variation, residue mobility, and thermodynamic stability) performed at Invitae indicates that this missense variant is expected to disrupt NPHP4 protein function. In summary, the available evidence is currently insufficient to determine the role of this variant in disease. Therefore, it has been classified as a Variant of Uncertain Significance.

CeGaT Center for Human Genetics Tuebingen
Classification: Uncertain significance. Last evaluated: 2021-01-01. Review status: criteria provided, single submitter. Criteria: CeGaT Center For Human Genetics Tuebingen Variant Classification Criteria Version 2. Collection method: clinical testing. Allele origin: germline. Affected: yes. Observed: 1 variant allele.

Eurofins Ntd Llc (ga)
Classification: Uncertain significance. Last evaluated: 2018-01-02. Review status: criteria provided, single submitter. Criteria: EGL Classification Definitions 2015. Collection method: clinical testing. Allele origin: germline. Observed: 3 variant alleles, 3 heterozygotes.

Illumina Laboratory Services, Illumina
Classification: Uncertain significance for Senior-Loken syndrome 4. Last evaluated: 2017-04-27. Review status: criteria provided, single submitter. Criteria: ICSL Variant Classification Criteria 13 December 2019. Collection method: clinical testing. Allele origin: germline.
Comment: This variant was observed as part of a predisposition screen in an ostensibly healthy population. A literature search was performed for the gene, cDNA change, and amino acid change (where applicable). Publications were found based on this search. However, the evidence from the literature, in combination with allele frequency data from public databases where available, was not sufficient to rule this variant in or out of causing disease. Therefore, this variant is classified as a variant of unknown significance.

Illumina Laboratory Services, Illumina
Classification: Uncertain significance for Nephronophthisis 4. Last evaluated: 2017-04-27. Review status: criteria provided, single submitter. Criteria: ICSL Variant Classification Criteria 13 December 2019. Collection method: clinical testing. Allele origin: germline.
Comment: the same text as in the submission from Illumina Laboratory Services, Illumina above.

Literature cited by the submitters: PubMed 15776426 (cited by Labcorp Genetics (formerly Invitae), Labcorp and Illumina Laboratory Services, Illumina); PubMed 25472526 (cited by Labcorp Genetics (formerly Invitae), Labcorp).

NM_015102.5(NPHP4):c.3859C>G (p.Gln1287Glu)

Gene: NPHP4 (nephrocystin 4; minus strand). Cytogenetic location: 1p36.31.
Variant type: single nucleotide variant.
Coding change: c.3859C>G on transcript NM_015102.5 (MANE Select); coding-DNA position 3859, C replaced by G.
Protein change: p.Gln1287Glu; replaces glutamine 1287 with glutamic acid.
Molecular consequence: missense variant. On other transcripts: non-coding transcript variant (1).
Genome position (GRCh38, 1-based): chr1:5,864,475, G>C on the plus strand (C>G on the coding strand, the complement: NPHP4 is on the minus strand). VCF-style: chr1-5864475-G-C. GRCh37 (hg19) VCF-style: chr1-5924535-G-C.
Other names: c.2320C>G, p.Gln774Glu (NM_001291593.2); c.2323C>G, p.Gln775Glu (NM_001291594.2); short protein forms Q1287E, Q774E, Q775E.
Identifiers: ClinVar variation 462718 (VCV000462718.54), dbSNP rs201779243, ClinGen allele CA553435.